The following is an entry in ClinVar:

NM_007294.4(BRCA1):c.5414_5415del (p.His1805fs)

Gene: BRCA1 (BRCA1 DNA repair associated; minus strand). Cytogenetic location: 17q21.31.
Variant type: Deletion.
Coding change: c.5414_5415del on transcript NM_007294.4 (MANE Select); coding-DNA positions 5414 to 5415, 2 bases deleted (AC; older notation c.5414_5415delAC).
Protein change: p.His1805fs; shifts the reading frame from histidine 1805.
Molecular consequence: frameshift variant.
Genome position (GRCh38, 1-based): chr17:43,047,695-43,047,696, GT deleted on the plus strand (AC on the coding strand, the reverse complement: BRCA1 is on the minus strand); deleting any 2 consecutive bases within chr17:43,047,695-43,047,697 gives the same sequence; the c. name uses the placement nearest the transcript's 3' end. VCF-style (leftmost placement, unchanged base first): chr17-43047694-GGT-G. GRCh37 (hg19) VCF-style: chr17-41199711-GGT-G.
Other names: c.5270_5271del, p.His1757fs (NM_001407735.1, NM_001407736.1, NM_001407737.1 and 18 more transcripts); c.5414_5415del, p.His1805fs (NM_001407605.1, NM_001407593.1, NM_001407594.1 and 5 more transcripts); c.5411_5412del, p.His1804fs (NM_001407610.1, NM_001407611.1, NM_001407612.1 and 14 more transcripts); c.5408_5409del, p.His1803fs (NM_001407627.1, NM_001407628.1, NM_001407629.1 and 13 more transcripts); c.5402_5403del, p.His1801fs (NM_001407646.1); c.5399_5400del, p.His1800fs (NM_001407647.1); c.5357_5358del, p.His1786fs (NM_001407648.1); c.5354_5355del, p.His1785fs (NM_001407649.1); and 84 more; short protein forms H1508fs, H1509fs, H1651fs, H1676fs, H1678fs, H1694fs, H1733fs, H1736fs.
Identifiers: ClinVar variation 3992629 (VCV003992629.1).

ClinVar aggregate classification (germline): Likely pathogenic (1 of 4 stars; one submission).

Conditions:
Hereditary cancer-predisposing syndrome. Also called: Tumor predisposition; Hereditary neoplastic syndrome; Neoplastic Syndromes, Hereditary; Hereditary Cancer Syndrome. Identifiers: Orphanet 140162, MedGen C0027672, MeSH D009386, MONDO:0015356.

Submission:

Ambry Genetics
Classification: Likely pathogenic for Hereditary cancer-predisposing syndrome. Last evaluated: 2025-05-21. Review status: criteria provided, single submitter. Criteria: Ambry Variant Classification Scheme 2023. Collection method: clinical testing. Allele origin: germline.
Comment: The c.5414_5415delAC variant, located in coding exon 21 of the BRCA1 gene, results from a deletion of two nucleotides at nucleotide positions 5414 to 5415, causing a translational frameshift with a predicted alternate stop codon (p.H1805Pfs*24). This alteration occurs at the 3' terminus of theBRCA1 gene, is not expected to trigger nonsense-mediated mRNA decay, and impacts the last 3.2% of the protein. However, premature stop codons are typically deleterious in nature and the impacted region is critical for protein function (Ambry internal data). This variant is considered to be rare based on population cohorts in the Genome Aggregation Database (gnomAD). Based on the majority of available evidence to date, this variant is likely to be pathogenic.